The following is an entry in ClinVar:

NM_004646.4(NPHS1):c.59-5C>G

Genes: KIRREL2 (kirre like nephrin family adhesion molecule 2; plus strand), NPHS1 (NPHS1 adhesion molecule, nephrin; minus strand). Cytogenetic location: 19q13.12.
Variant type: single nucleotide variant.
Coding change: c.59-5C>G on transcript NM_004646.4 (MANE Select); 5 bases into the intron before coding-DNA position 59, C replaced by G.
Molecular consequence: intron variant.
Genome position (GRCh38, 1-based): chr19:35,851,677, G>C on the plus strand (C>G on the coding strand, the complement: NPHS1 is on the minus strand). VCF-style: chr19-35851677-G-C. GRCh37 (hg19) VCF-style: chr19-36342579-G-C.
Other names: p.?.
Identifiers: ClinVar variation 259504 (VCV000259504.26), dbSNP rs114595892, ClinGen allele CA9390925.

ClinVar aggregate classification (germline): Conflicting classifications of pathogenicity. Review status: criteria provided, conflicting classifications (1 of 4 stars). 11 submissions from 11 submitters: Uncertain significance (1); Benign (7). 3 of the submissions do not count toward it. Last evaluated 2026-02-04.

Conditions:
Finnish congenital nephrotic syndrome (NPHS1). Also called: NEPHROTIC SYNDROME, TYPE 1. Identifiers: Orphanet 839, MedGen C0403399, MONDO:0009732, OMIM 256300.
Focal segmental glomerulosclerosis (FSGS). Also called: Glomerulosclerosis, focal; Focal sclerosis with hyalinosis. Identifiers: MedGen C0017668, MONDO:0100313, HP:0000097. Disease mechanism: loss of function.
Congenital nephrotic syndrome. Also called: Familial nephrotic syndrome. Identifiers: MedGen C3501848, MeSH C535761, MONDO:0002350, HP:0008677.

Allele frequency attached by ClinVar (database versions not stated): gnomAD exomes 0.00165 and 0.00456; 1000 Genomes Project 0.01857; TOPMed 0.02042; ExAC 0.00737; gnomAD 0.01814 and 0.01945; ESP Exome Variant Server 0.01899; 1000 Genomes Project 30x 0.01983.

Submissions (11):

Labcorp Genetics (formerly Invitae), Labcorp
Classification: Benign. Last evaluated: 2026-02-04. Review status: criteria provided, single submitter. Criteria: Invitae Variant Classification Sherloc (09022015). Collection method: clinical testing. Allele origin: germline.

Mayo Clinic Laboratories, Mayo Clinic
Classification: Benign. Last evaluated: 2023-03-31. Review status: criteria provided, single submitter. Criteria: ACMG Guidelines, 2015. Collection method: clinical testing. Allele origin: germline. Observed: 2 variant alleles.
Comment: BA1, BS2, BP4, BP7

Genome Diagnostics Laboratory, The Hospital for Sick Children
Classification: Benign for Focal segmental glomerulosclerosis. Last evaluated: 2022-03-14. Review status: criteria provided, single submitter. Criteria: ACMG Guidelines, 2015. Collection method: clinical testing. Allele origin: germline.

GeneDx
Classification: Benign. Last evaluated: 2020-01-16. Review status: criteria provided, single submitter. Criteria: GeneDx Variant Classification Process June 2021. Collection method: clinical testing. Allele origin: germline. Affected: yes.
Comment: This variant is associated with the following publications: (PMID: 19406966, 25525159)

Women's Health and Genetics/Laboratory Corporation of America, LabCorp
Classification: Benign. Last evaluated: 2019-10-17. Review status: criteria provided, single submitter. Criteria: LabCorp Variant Classification Summary - May 2015. Collection method: clinical testing. Allele origin: germline.
Comment: Variant summary: NPHS1 c.59-5C>G alters a nucleotide located close to a canonical splice site and therefore could affect mRNA splicing, leading to a significantly altered protein sequence. Several computational tools predict a significant impact on normal splicing: Five predict the variant weakens a 3 acceptor site. However, these predictions have yet to be confirmed by functional studies. The variant allele was found at a frequency of 0.0046 in 239616 control chromosomes, predominantly at a frequency of 0.062 within the African or African-American subpopulation in the gnomAD database, including 26 homozygotes. The observed variant frequency within African or African-American control individuals in the gnomAD database is approximately 18.48 fold of the estimated maximal expected allele frequency for a pathogenic variant in NPHS1 causing Nephrotic Syndrome, Type 1 phenotype (0.0034), strongly suggesting that the variant is a benign polymorphism found primarily in populations of African or African-American origin. No clinical diagnostic laboratories have submitted clinical-significance assessments for this variant to ClinVar after 2014. Based on the evidence outlined above, the variant was classified as benign.

Institute of Human Genetics, University of Leipzig Medical Center
Classification: Uncertain significance for Finnish congenital nephrotic syndrome. Last evaluated: 2019-01-01. Review status: criteria provided, single submitter. Criteria: ACMG Guidelines, 2015. Collection method: clinical testing. Allele origin: unknown. Affected: no.

Illumina Laboratory Services, Illumina
Classification: Benign for Congenital nephrotic syndrome. Last evaluated: 2017-04-28. Review status: criteria provided, single submitter. Criteria: ICSL Variant Classification Criteria 13 December 2019. Collection method: clinical testing. Allele origin: germline.
Comment: This variant was observed as part of a predisposition screen in an ostensibly healthy population. A literature search was performed for the gene, cDNA change, and amino acid change (where applicable). Publications were found based on this search. The evidence from the literature, in combination with allele frequency data from public databases where available, was sufficient to rule this variant out of causing disease. Therefore, this variant is classified as benign.

PreventionGenetics, part of Exact Sciences
Classification: Benign. Review status: criteria provided, single submitter. Criteria: ACMG Guidelines, 2015. Collection method: clinical testing. Allele origin: germline.

Natera, Inc.
Classification: Benign for Finnish congenital nephrotic syndrome. Last evaluated: 2020-09-16. Review status: no assertion criteria provided. Collection method: clinical testing. Allele origin: germline. Not counted in ClinVar's aggregate classification.

Genome Diagnostics Laboratory, University Medical Center Utrecht
Classification: Benign. Review status: no assertion criteria provided. Collection method: clinical testing. Allele origin: germline. Affected: yes. Study: VKGL Data-share Consensus. Not counted in ClinVar's aggregate classification.

Joint Genome Diagnostic Labs from Nijmegen and Maastricht, Radboudumc and MUMC+
Classification: Benign. Review status: no assertion criteria provided. Collection method: clinical testing. Allele origin: germline. Affected: yes. Study: VKGL Data-share Consensus. Not counted in ClinVar's aggregate classification.

Literature cited by the submitters: PubMed 19406966 (cited by Mayo Clinic Laboratories, Mayo Clinic and Illumina Laboratory Services, Illumina).